The following continues an entry in ClinVar:

NM_000277.3(PAH):c.1162G>A (p.Val388Met)

Gene: PAH. ClinVar aggregate classification (germline): Pathogenic. Pathogenic (1).

Submissions 12 to 17 of 17:

Women's Health and Genetics/Laboratory Corporation of America, LabCorp
Classification: Pathogenic for Phenylketonuria. Last evaluated: 2019-06-21. Review status: criteria provided, single submitter. Criteria: LabCorp Variant Classification Summary - May 2015. Collection method: clinical testing. Allele origin: germline. Not counted in ClinVar's aggregate classification.
Comment: Variant summary: PAH c.1162G>A (p.Val388Met) results in a conservative amino acid change located in the aromatic amino acid hydroxylase, C-terminal domain (IPR019774) of the encoded protein sequence. Four of five in-silico tools predict a damaging effect of the variant on protein function. The variant allele was found at a frequency of 8.4e-05 in 251286 control chromosomes, predominantly at a frequency of 0.00041 within the Latino subpopulation in the gnomAD database. This frequency is not higher than expected for a pathogenic variant in PAH causing Phenylalanine Hydroxylase Deficiency (Phenylketonuria) (0.00041 vs 0.0079), allowing no conclusion about variant significance. The variant, c.1162G>A, has been reported in the literature in homozygous or compound heterozygous state in multiple individuals affected with mild or classic PKU (Dobrowolski_2011, Danecka_2015). These data indicate that the variant is very likely to be associated with disease. Experimental evidence evaluating an impact on protein function demonstrated variant proteins to have considerably reduced PAH activity compared to wild type (Dobrowolski_2011, Danecka_2015). Four submitters including one expert panel (ClinGen PAH Variant Curation Expert Panel) have submitted clinical-significance assessments for this variant to ClinVar after 2014 and classified the variant as pathogenic. Based on the evidence outlined above, the variant was classified as pathogenic.

Eurofins Ntd Llc (ga)
Classification: Pathogenic. Last evaluated: 2017-01-10. Review status: criteria provided, single submitter. Criteria: EGL Classification Definitions 2015. Collection method: clinical testing. Allele origin: germline. Observed: 7 variant alleles, 7 heterozygotes. Not counted in ClinVar's aggregate classification.

Juno Genomics, Hangzhou Juno Genomics, Inc
Classification: Pathogenic for Phenylketonuria. Review status: criteria provided, single submitter. Criteria: ACMG Guidelines, 2015. Collection method: clinical testing. Allele origin: germline. Affected: yes. Not counted in ClinVar's aggregate classification.
Comment: Absent from controls (or at extremely low frequency if recessive) in Genome Aggregation Database, Exome Sequencing Project, 1000 Genomes Project, or Exome Aggregation Consortium.;Multiple lines of computational evidence support a deleterious effect on the gene or gene product (conservation, evolutionary, splicing impact, etc).;For recessive disorders, detected in trans with a pathogenic variant.;Patient's phenotype or family history is highly specific for a disease with a single genetic etiology.

Counsyl
Classification: Pathogenic for Phenylketonuria. Last evaluated: 2016-09-09. Review status: no assertion criteria provided. Collection method: clinical testing. Allele origin: unknown. Not counted in ClinVar's aggregate classification.

OMIM
Classification: Pathogenic for PHENYLKETONURIA. Last evaluated: 1995-08-01. Review status: no assertion criteria provided. Collection method: literature only. Allele origin: germline. Not counted in ClinVar's aggregate classification.

DeBelle Laboratory for Biochemical Genetics, MUHC/MCH RESEARCH INSTITUTE
No classification provided. Review status: no classification provided. Collection method: not provided. Allele origin: not provided. Not counted in ClinVar's aggregate classification.

Literature cited by the submitters: PubMed 9860305 (cited by 4 submitters); PubMed 30311390 (cited by OLLIN Analises Genomicas, OLLIN); PubMed 21147011 (cited by OLLIN Analises Genomicas, OLLIN and Women's Health and Genetics/Laboratory Corporation of America, LabCorp); PubMed 25596310 (cited by 4 submitters); PubMed 19036622 (cited by 3 submitters); PubMed 21953985 (cited by 4 submitters); PubMed 23932990 (cited by Dasa and Labcorp Genetics (formerly Invitae), Labcorp); PubMed 23500595 (cited by 4 submitters); PubMed 7581408 (cited by 3 submitters); PubMed 12655544 (cited by Labcorp Genetics (formerly Invitae), Labcorp); PubMed 17935162 (cited by Labcorp Genetics (formerly Invitae), Labcorp and Quest Diagnostics Nichols Institute San Juan Capistrano); PubMed 7668259 (cited by 3 submitters); PubMed 26666653 (cited by 3billion); PubMed 8406445 (cited by 3 submitters); PubMed 9452061 (cited by 3billion); PubMed 10767175 (cited by Quest Diagnostics Nichols Institute San Juan Capistrano); PubMed 10875932 (cited by Quest Diagnostics Nichols Institute San Juan Capistrano); PubMed 16504182 (cited by Quest Diagnostics Nichols Institute San Juan Capistrano); PubMed 23559577 (cited by Quest Diagnostics Nichols Institute San Juan Capistrano and Counsyl); PubMed 24401910 (cited by Quest Diagnostics Nichols Institute San Juan Capistrano and Counsyl); PubMed 25087612 (cited by Quest Diagnostics Nichols Institute San Juan Capistrano); PubMed 16091306 (cited by Quest Diagnostics Nichols Institute San Juan Capistrano); PubMed 10408782 (cited by Counsyl); PubMed 16755493 (cited by Counsyl); PubMed 12765842 (cited by Counsyl); PubMed 15503242 (cited by Counsyl); PubMed 11385716 (cited by Counsyl); PubMed 11524738 (cited by Counsyl); PubMed 11180595 (cited by Counsyl); PubMed 15557004 (cited by Counsyl); PubMed 21307867 (cited by Counsyl); PubMed 1360590 (cited by OMIM).